The following is an entry in ClinVar:

NM_002528.7(NTHL1):c.473A>C (p.Gln158Pro)

Gene: NTHL1 (nth like DNA glycosylase 1; minus strand). Cytogenetic location: 16p13.3.
Variant type: single nucleotide variant.
Coding change: c.473A>C on transcript NM_002528.7 (MANE Select); coding-DNA position 473, A replaced by C.
Protein change: p.Gln158Pro; replaces glutamine 158 with proline.
Molecular consequence: missense variant. On other transcripts: intron variant (1).
Genome position (GRCh38, 1-based): chr16:2,044,682, T>G on the plus strand (A>C on the coding strand, the complement: NTHL1 is on the minus strand). VCF-style: chr16-2044682-T-G. GRCh37 (hg19) VCF-style: chr16-2094683-T-G.
Other names: c.143A>C, p.Gln48Pro (NM_001318194.2); c.355-956A>C (NM_001318193.2); short protein forms Q158P, Q48P.
Identifiers: ClinVar variation 3652300 (VCV003652300.2).

ClinVar aggregate classification (germline): Uncertain significance (1 of 4 stars; one submission).

Submission:

Labcorp Genetics (formerly Invitae), Labcorp
Classification: Uncertain significance. Last evaluated: 2024-05-06. Review status: criteria provided, single submitter. Criteria: Invitae Variant Classification Sherloc (09022015). Collection method: clinical testing. Allele origin: germline.
Comment: This sequence change replaces glutamine, which is neutral and polar, with proline, which is neutral and non-polar, at codon 166 of the NTHL1 protein (p.Gln166Pro). This variant is not present in population databases (gnomAD no frequency). This variant has not been reported in the literature in individuals affected with NTHL1-related conditions. An algorithm developed to predict the effect of missense changes on protein structure and function (PolyPhen-2) suggests that this variant is likely to be tolerated. In summary, the available evidence is currently insufficient to determine the role of this variant in disease. Therefore, it has been classified as a Variant of Uncertain Significance.